The following is an entry in ClinVar:

ClinVar aggregate classification (germline): Uncertain significance (1 of 4 stars; one submission).

Conditions:
Intellectual disability, autosomal recessive 53 (NEDHSCA). Also called: GLYCOSYLPHOSPHATIDYLINOSITOL BIOSYNTHESIS DEFECT 13; Mental retardation, autosomal recessive 53; NEURODEVELOPMENTAL DISORDER WITH OR WITHOUT HYPOTONIA, SEIZURES, AND CEREBELLAR ATROPHY. Identifiers: Orphanet 488635, MedGen C4310794, MONDO:0014832, OMIM 616917.

Allele frequency attached by ClinVar (database versions not stated): gnomAD 0.00001.
gnomAD v4.1: 2 of 1,613,866 alleles (0.00012%); highest among the groups gnomAD compares: African/African-American, 0.0027%; no homozygotes.

Submission:

Labcorp Genetics (formerly Invitae), Labcorp
Classification: Uncertain significance for Intellectual disability, autosomal recessive 53. Last evaluated: 2022-07-12. Review status: criteria provided, single submitter. Criteria: Invitae Variant Classification Sherloc (09022015). Collection method: clinical testing. Allele origin: germline.
Comment: This sequence change replaces serine, which is neutral and polar, with asparagine, which is neutral and polar, at codon 237 of the PIGG protein (p.Ser237Asn). This variant is not present in population databases (gnomAD no frequency). This variant has not been reported in the literature in individuals affected with PIGG-related conditions. ClinVar contains an entry for this variant (Variation ID: 1389706). Algorithms developed to predict the effect of missense changes on protein structure and function (SIFT, PolyPhen-2, Align-GVGD) all suggest that this variant is likely to be tolerated. In summary, the available evidence is currently insufficient to determine the role of this variant in disease. Therefore, it has been classified as a Variant of Uncertain Significance.

NM_001127178.3(PIGG):c.710G>A (p.Ser237Asn)

Gene: PIGG (phosphatidylinositol glycan anchor biosynthesis class G (EMM blood group); plus strand). Cytogenetic location: 4p16.3.
Variant type: single nucleotide variant.
Coding change: c.710G>A on transcript NM_001127178.3 (MANE Select); coding-DNA position 710, G replaced by A.
Protein change: p.Ser237Asn; replaces serine 237 with asparagine.
Molecular consequence: missense variant. On other transcripts: non-coding transcript variant (10), intron variant (1), 5 prime UTR variant (4).
Genome position (GRCh38, 1-based): chr4:507,544, G>A. VCF-style: chr4-507544-G-A. GRCh37 (hg19) VCF-style: chr4-501333-G-A.
Other names: c.443G>A, p.Ser148Asn (NM_001289051.2, NM_001289053.2, NM_001289057.2 and 2 more transcripts); c.344G>A, p.Ser115Asn (NM_001289055.2); c.361-1285G>A (NM_001289052.2); c.-178G>A (NM_001345988.2); c.710G>A, p.Ser237Asn (NM_001345989.2, NM_017733.5); c.-916G>A (NM_001345990.2); c.-778G>A (NM_001345991.2); c.-503G>A (NM_001345994.2); short protein forms S115N, S148N, S237N.
Identifiers: ClinVar variation 1389706 (VCV001389706.6), dbSNP rs1720160858, ClinGen allele CA355897715.
Genomic context (GRCh38, chr4:507,544, plus strand): 5'-GGCTGGACCACATTGGCCACATTTCAGGGCCCAACAGCCCCCTGATTGGGCAGAAGCTGA[G>A]CGAGATGGACAGCGTGCTGATGAAGATCCACACCTCACTGCAGTCGAAGGTGAGGCTCGC-3'
Protein context (NP_001120650.1, residues 227-247): PNSPLIGQKL[Ser237Asn]EMDSVLMKIH